The following is an entry in ClinVar:

ClinVar aggregate classification (germline): Likely benign (1 of 4 stars; one submission).

gnomAD v4.1: 194 of 1,614,184 alleles (0.012%); highest among the groups gnomAD compares: African/African-American, 0.017%; no homozygotes.

Submission:

CeGaT Center for Human Genetics Tuebingen
Classification: Likely benign. Last evaluated: 2024-10-01. Review status: criteria provided, single submitter. Criteria: CeGaT Center For Human Genetics Tuebingen Variant Classification Criteria Version 2. Collection method: clinical testing. Allele origin: germline. Affected: yes. Observed: 1 variant allele.
Comment: TRAK1: BP4, BP7

NM_001042646.3(TRAK1):c.255C>T (p.Thr85=)

Gene: TRAK1 (trafficking kinesin protein 1; plus strand). Cytogenetic location: 3p22.1.
Variant type: single nucleotide variant.
Coding change: c.255C>T on transcript NM_001042646.3 (MANE Select); coding-DNA position 255, C replaced by T.
Protein change: p.Thr85=; no amino-acid change (threonine 85 retained).
Molecular consequence: synonymous variant. On other transcripts: 5 prime UTR variant (1), non-coding transcript variant (1).
Genome position (GRCh38, 1-based): chr3:42,125,583, C>T. VCF-style: chr3-42125583-C-T. GRCh37 (hg19) VCF-style: chr3-42167075-C-T.
Other names: c.255C>T, p.Thr85= (NM_001265608.2, NM_001349246.2, NM_001349247.2); c.-58C>T (NM_001349245.1).
Identifiers: ClinVar variation 3389363 (VCV003389363.14).